The following is an entry in ClinVar:

ClinVar aggregate classification (germline): Uncertain significance (1 of 4 stars; one submission).

Conditions:
Pitt-Hopkins-like syndrome 2 (PTHSL2). Identifiers: Orphanet 221150, Orphanet 600663, MedGen C3280479, MONDO:0013690, OMIM 614325.

Submission:

Labcorp Genetics (formerly Invitae), Labcorp
Classification: Uncertain significance for Pitt-Hopkins-like syndrome 2. Last evaluated: 2026-01-19. Review status: criteria provided, single submitter. Criteria: Invitae Variant Classification Sherloc (09022015). Collection method: clinical testing. Allele origin: germline.
Comment: This sequence change replaces glutamine, which is neutral and polar, with arginine, which is basic and polar, at codon 1334 of the NRXN1 protein (p.Gln1334Arg). This variant is not present in population databases (gnomAD no frequency). This variant has not been reported in the literature in individuals affected with NRXN1-related conditions. ClinVar contains an entry for this variant (Variation ID: 2097863). Invitae Evidence Modeling of protein sequence and biophysical properties (such as structural, functional, and spatial information, amino acid conservation, physicochemical variation, residue mobility, and thermodynamic stability) indicates that this missense variant is not expected to disrupt NRXN1 protein function with a negative predictive value of 80%. In summary, the available evidence is currently insufficient to determine the role of this variant in disease. Therefore, it has been classified as a Variant of Uncertain Significance.

NM_001330078.2(NRXN1):c.3881A>G (p.Gln1294Arg)

Gene: NRXN1 (neurexin 1; minus strand). Cytogenetic location: 2p16.3.
Variant type: single nucleotide variant.
Coding change: c.3881A>G on transcript NM_001330078.2 (MANE Select); coding-DNA position 3881, A replaced by G.
Protein change: p.Gln1294Arg; replaces glutamine 1294 with arginine.
Molecular consequence: missense variant.
Genome position (GRCh38, 1-based): chr2:50,053,518, T>C on the plus strand (A>G on the coding strand, the complement: NRXN1 is on the minus strand). VCF-style: chr2-50053518-T-C. GRCh37 (hg19) VCF-style: chr2-50280656-T-C.
Other names: c.4001A>G, p.Gln1334Arg (NM_001135659.3); c.3857A>G, p.Gln1286Arg (NM_001330077.2, NM_001330082.2); c.3725A>G, p.Gln1242Arg (NM_001330083.2); c.3815A>G, p.Gln1272Arg (NM_001330084.2); c.3854A>G, p.Gln1285Arg (NM_001330085.2); c.3881A>G, p.Gln1294Arg (NM_001330086.2); c.3680A>G, p.Gln1227Arg (NM_001330087.2, NM_001330096.2); c.3710A>G, p.Gln1237Arg (NM_001330088.2); and 6 more; short protein forms Q1237R, Q1247R, Q1272R, Q1286R, Q229R, Q1294R, Q1334R, Q1227R.
Identifiers: ClinVar variation 2097863 (VCV002097863.4), dbSNP rs2467636989, ClinGen allele CA346819847.